The following is an entry in ClinVar:

ClinVar aggregate classification (germline): Uncertain significance. Review status: criteria provided, multiple submitters, no conflicts (2 of 4 stars). 2 submissions from 2 submitters: Uncertain significance (2). Last evaluated 2024-08-11.

Conditions:
Arrhythmogenic right ventricular dysplasia 9 (ARVD9). Also called: Arrhythmogenic Right Ventricular Dysplasia/Cardiomyopathy 9; ARRHYTHMOGENIC RIGHT VENTRICULAR DYSPLASIA, FAMILIAL, 9. Identifiers: MedGen C1836906, MONDO:0012180, OMIM 609040.
Arrhythmogenic right ventricular cardiomyopathy (ARVD). Also called: Arrhythmogenic right ventricular dysplasia; Cardiomyopathy, ARVC; Arrhythmogenic cardiomyopathy; Arrhythmogenic Right Ventricular Cardiomyopathy (ARVC). Identifiers: Orphanet 247, MedGen C0349788, MeSH D019571, MONDO:0016587. Disease mechanism: loss of function. Inheritance: Various modes of inheritance.

gnomAD v4.1: 1 of 1,614,048 alleles (0.000062%); highest among the groups gnomAD compares: Non-Finnish European, 0.000085%; no homozygotes.

Submissions (2):

Labcorp Genetics (formerly Invitae), Labcorp
Classification: Uncertain significance for Arrhythmogenic right ventricular dysplasia 9. Last evaluated: 2024-08-11. Review status: criteria provided, single submitter. Criteria: Invitae Variant Classification Sherloc (09022015). Collection method: clinical testing. Allele origin: germline.
Comment: This sequence change replaces glutamine, which is neutral and polar, with histidine, which is basic and polar, at codon 660 of the PKP2 protein (p.Gln660His). This variant is present in population databases (rs759353036, gnomAD 0.0009%). This variant has not been reported in the literature in individuals affected with PKP2-related conditions. An algorithm developed to predict the effect of missense changes on protein structure and function (PolyPhen-2) suggests that this variant is likely to be disruptive. In summary, the available evidence is currently insufficient to determine the role of this variant in disease. Therefore, it has been classified as a Variant of Uncertain Significance.

All of Us Research Program, National Institutes of Health
Classification: Uncertain significance for Arrhythmogenic right ventricular cardiomyopathy. Last evaluated: 2024-01-11. Review status: criteria provided, single submitter. Criteria: ACMG Guidelines, 2015. Collection method: clinical testing. Allele origin: germline. Inheritance: Autosomal dominant inheritance. Observed: 2 variant alleles, 2 heterozygotes.
Comment: This missense variant replaces glutamine with histidine at codon 660 of the PKP2 protein. Computational prediction suggests that this variant may not impact protein structure and function (internally defined REVEL score threshold <= 0.5, PMID: 27666373). To our knowledge, functional studies have not been reported for this variant. This variant has not been reported in individuals affected with PKP2-related disorders in the literature. This variant has been identified in 1/251330 chromosomes in the general population by the Genome Aggregation Database (gnomAD). The available evidence is insufficient to determine the role of this variant in disease conclusively. Therefore, this variant is classified as a Variant of Uncertain Significance.

This study involves interpretation of variants in research participants for the purpose of population health screening. Participant phenotype was not available at the time of variant classification. Additional details can be found in publication PMID: 35346344, PMCID: PMC8962531

NM_001005242.3(PKP2):c.1848G>C (p.Gln616His)

Gene: PKP2 (plakophilin 2; minus strand). Cytogenetic location: 12p11.21.
Variant type: single nucleotide variant.
Coding change: c.1848G>C on transcript NM_001005242.3 (MANE Select); coding-DNA position 1848, G replaced by C.
Protein change: p.Gln616His; replaces glutamine 616 with histidine.
Molecular consequence: missense variant.
Genome position (GRCh38, 1-based): chr12:32,821,521, C>G on the plus strand (G>C on the coding strand, the complement: PKP2 is on the minus strand). VCF-style: chr12-32821521-C-G. GRCh37 (hg19) VCF-style: chr12-32974455-C-G.
Other names: c.1848G>C, p.Gln616His (NM_001407155.1, NM_001407161.1); c.1683G>C, p.Gln561His (NM_001407156.1); c.1980G>C, p.Gln660His (NM_001407157.1, NM_004572.4); c.1521G>C, p.Gln507His (NM_001407158.1, NM_001407159.1, NM_001407160.1 and 1 more transcripts); short protein forms Q507H, Q561H, Q616H, Q660H.
Identifiers: ClinVar variation 3073437 (VCV003073437.3), dbSNP rs759353036, ClinGen allele CA032018.